The following is an entry in ClinVar:

NM_001291303.3(FAT4):c.7847T>C (p.Ile2616Thr)

Gene: FAT4 (FAT atypical cadherin 4; plus strand). Cytogenetic location: 4q28.1.
Variant type: single nucleotide variant.
Coding change: c.7847T>C on transcript NM_001291303.3 (MANE Select); coding-DNA position 7847, T replaced by C.
Protein change: p.Ile2616Thr; replaces isoleucine 2616 with threonine.
Molecular consequence: missense variant.
Genome position (GRCh38, 1-based): chr4:125,448,857, T>C. VCF-style: chr4-125448857-T-C. GRCh37 (hg19) VCF-style: chr4-126370012-T-C.
Other names: c.7847T>C, p.Ile2616Thr (NM_001291285.3); c.7841T>C, p.Ile2614Thr (NM_024582.6); c.7841T>C (NM_024582.5); short protein forms I2614T, I2616T.
Identifiers: ClinVar variation 3590017 (VCV003590017.2).

ClinVar aggregate classification (germline): Uncertain significance. Review status: criteria provided, multiple submitters, no conflicts (2 of 4 stars). 2 submissions from 2 submitters: Uncertain significance (2). Last evaluated 2025-03-04.

Conditions:
Van Maldergem syndrome 2 (VMLDS2). Identifiers: Orphanet 314679, MedGen C3809875, MONDO:0014242, OMIM 615546.
Hennekam lymphangiectasia-lymphedema syndrome 2 (HKLLS2). Identifiers: Orphanet 2136, MedGen C4014939, MONDO:0014454, OMIM 616006.

gnomAD v4.1: 1 of 1,608,458 alleles (0.000062%); highest among the groups gnomAD compares: African/African-American, 0.0013%; no homozygotes.

Submissions (2):

Labcorp Genetics (formerly Invitae), Labcorp
Classification: Uncertain significance. Last evaluated: 2025-03-04. Review status: criteria provided, single submitter. Criteria: Invitae Variant Classification Sherloc (09022015). Collection method: clinical testing. Allele origin: germline.
Comment: This sequence change replaces isoleucine, which is neutral and non-polar, with threonine, which is neutral and polar, at codon 2614 of the FAT4 protein (p.Ile2614Thr). This variant is not present in population databases (gnomAD no frequency). This missense change has been observed in individual(s) with clinical features of FAT4-related conditions (PMID: 29302074). ClinVar contains an entry for this variant (Variation ID: 3590017). Invitae Evidence Modeling of protein sequence and biophysical properties (such as structural, functional, and spatial information, amino acid conservation, physicochemical variation, residue mobility, and thermodynamic stability) indicates that this missense variant is expected to disrupt FAT4 protein function with a positive predictive value of 80%. In summary, the available evidence is currently insufficient to determine the role of this variant in disease. Therefore, it has been classified as a Variant of Uncertain Significance.

Fulgent Genetics
Classification: Uncertain significance for Van Maldergem syndrome 2; Hennekam lymphangiectasia-lymphedema syndrome 2. Last evaluated: 2024-05-25. Review status: criteria provided, single submitter. Criteria: ACMG Guidelines, 2015. Collection method: clinical testing. Allele origin: germline.

Literature cited by the submitters: PubMed 29302074 (cited by Labcorp Genetics (formerly Invitae), Labcorp).